The following is an entry in ClinVar:

NM_017636.4(TRPM4):c.1876C>T (p.Leu626Phe)

Gene: TRPM4 (transient receptor potential cation channel subfamily M member 4; plus strand). Cytogenetic location: 19q13.33.
Variant type: single nucleotide variant.
Coding change: c.1876C>T on transcript NM_017636.4 (MANE Select); coding-DNA position 1876, C replaced by T.
Protein change: p.Leu626Phe; replaces leucine 626 with phenylalanine.
Molecular consequence: missense variant.
Genome position (GRCh38, 1-based): chr19:49,188,948, C>T. VCF-style: chr19-49188948-C-T. GRCh37 (hg19) VCF-style: chr19-49692205-C-T.
Other names: c.1876C>T (NM_017636.3); c.1876C>T, p.Leu626Phe (NM_001195227.2); c.1531C>T, p.Leu511Phe (NM_001321281.2); c.268C>T, p.Leu90Phe (NM_001321282.2); c.1354C>T, p.Leu452Phe (NM_001321283.2); c.814C>T, p.Leu272Phe (NM_001321285.2); short protein forms L452F, L90F, L511F, L626F, L272F.
Identifiers: ClinVar variation 4759585 (VCV004759585.2).
Genomic context (GRCh38, chr19:49,188,948, plus strand): 5'-TCACACCCTCACCCTACTCCTTCCCATCCCTGTCACATAACTAACTCCTCTGCCCCAGAC[C>T]TCTTTGGCGAGTGCTATCGCAGCAGTGAGGTGAGGGCTGCCCGCCTCCTCCTCCGTCGCT-3'
Protein context (NP_060106.2, residues 616-636): AFKFEGMGVD[Leu626Phe]FGECYRSSEV

ClinVar aggregate classification (germline): Uncertain significance. Review status: criteria provided, multiple submitters, no conflicts (2 of 4 stars). 2 submissions from 2 submitters: Uncertain significance (2). Last evaluated 2026-03-29.

Conditions:
Progressive familial heart block type IB (PFHB1B). Identifiers: Orphanet 871, MedGen C1970298, MONDO:0011474, OMIM 604559.
Cardiovascular phenotype. Identifiers: MedGen CN230736.

gnomAD v4.1: 1 of 1,614,144 alleles (0.000062%); highest among the groups gnomAD compares: Non-Finnish European, 0.000085%; no homozygotes.

Submissions (2):

Ambry Genetics
Classification: Uncertain significance for Cardiovascular phenotype. Last evaluated: 2026-03-29. Review status: criteria provided, single submitter. Criteria: Ambry Variant Classification Scheme 2023. Collection method: clinical testing. Allele origin: germline.
Comment: The p.L626F variant (also known as c.1876C>T), located in coding exon 14 of the TRPM4 gene, results from a C to T substitution at nucleotide position 1876. The leucine at codon 626 is replaced by phenylalanine, an amino acid with highly similar properties. This amino acid position is conserved. In addition, the in silico prediction for this alteration is inconclusive. Based on the available evidence, the clinical significance of this variant remains unclear.

Labcorp Genetics (formerly Invitae), Labcorp
Classification: Uncertain significance for Progressive familial heart block type IB. Last evaluated: 2025-11-02. Review status: criteria provided, single submitter. Criteria: Invitae Variant Classification Sherloc (09022015). Collection method: clinical testing. Allele origin: germline.
Comment: This sequence change replaces leucine, which is neutral and non-polar, with phenylalanine, which is neutral and non-polar, at codon 626 of the TRPM4 protein (p.Leu626Phe). This variant is not present in population databases (gnomAD no frequency). This variant has not been reported in the literature in individuals affected with TRPM4-related conditions. An algorithm developed to predict the effect of missense changes on protein structure and function (PolyPhen-2) suggests that this variant is likely to be disruptive. In summary, the available evidence is currently insufficient to determine the role of this variant in disease. Therefore, it has been classified as a Variant of Uncertain Significance.